The following is an entry in ClinVar:

NM_015466.4(PTPN23):c.2596C>T (p.Pro866Ser)

Gene: PTPN23 (protein tyrosine phosphatase non-receptor type 23; plus strand). Cytogenetic location: 3p21.31.
Variant type: single nucleotide variant.
Coding change: c.2596C>T on transcript NM_015466.4 (MANE Select); coding-DNA position 2596, C replaced by T.
Protein change: p.Pro866Ser; replaces proline 866 with serine.
Molecular consequence: missense variant.
Genome position (GRCh38, 1-based): chr3:47,410,394, C>T. VCF-style: chr3-47410394-C-T. GRCh37 (hg19) VCF-style: chr3-47451884-C-T.
Other names: c.2218C>T, p.Pro740Ser (NM_001304482.2); short protein forms P866S, P740S.
Identifiers: ClinVar variation 1495079 (VCV001495079.8), dbSNP rs1159861823, ClinGen allele CA352559493.

ClinVar aggregate classification (germline): Uncertain significance (1 of 4 stars; one submission).

Allele frequency attached by ClinVar (database versions not stated): gnomAD exomes below 0.00001; TOPMed below 0.00001; gnomAD 0.00001.
gnomAD v4.1: 2 of 1,611,814 alleles (0.00012%); highest among the groups gnomAD compares: East Asian, 0.0022%; no homozygotes.

Submission:

Labcorp Genetics (formerly Invitae), Labcorp
Classification: Uncertain significance. Last evaluated: 2021-04-23. Review status: criteria provided, single submitter. Criteria: Invitae Variant Classification Sherloc (09022015). Collection method: clinical testing. Allele origin: germline.
Comment: Algorithms developed to predict the effect of missense changes on protein structure and function output the following: SIFT: "Tolerated"; PolyPhen-2: "Not Available"; Align-GVGD: "Class C0". The serine amino acid residue is found in multiple mammalian species, suggesting that this missense change does not adversely affect protein function. These predictions have not been confirmed by published functional studies and their clinical significance is uncertain. This variant has not been reported in the literature in individuals with PTPN23-related conditions. This variant is not present in population databases (ExAC no frequency). This sequence change replaces proline with serine at codon 866 of the PTPN23 protein (p.Pro866Ser). The proline residue is moderately conserved and there is a moderate physicochemical difference between proline and serine. In summary, the available evidence is currently insufficient to determine the role of this variant in disease. Therefore, it has been classified as a Variant of Uncertain Significance.